The following is an entry in ClinVar:

NM_001165963.4(SCN1A):c.4002+2589G>A

Genes: SCN1A (sodium voltage-gated channel alpha subunit 1; minus strand), LOC102724058 (uncharacterized LOC102724058; plus strand). Cytogenetic location: 2q24.3.
Variant type: single nucleotide variant.
Coding change: c.4002+2589G>A on transcript NM_001165963.4 (MANE Select); 2589 bases into the intron after coding-DNA position 4002, G replaced by A.
Molecular consequence: intron variant.
Genome position (GRCh38, 1-based): chr2:166,007,130, C>T on the plus strand (G>A on the coding strand, the complement: SCN1A is on the minus strand). VCF-style: chr2-166007130-C-T. GRCh37 (hg19) VCF-style: chr2-166863640-C-T.
Other names: c.3969+2589G>A (NM_001353949.2, NM_001353950.2, NM_001353951.2 and 2 more transcripts); c.3918+2589G>A (NM_001353958.2, NM_001353957.2, NM_001165964.3); c.4002+2589G>A (NM_001202435.3, NM_001353948.2); c.3966+2589G>A (NM_001353955.2, NM_001353954.2); c.3915+2589G>A (NM_001353960.2); c.1560+2589G>A (NM_001353961.2).
Identifiers: ClinVar variation 2135392 (VCV002135392.4), dbSNP rs1463806870, ClinGen allele CA537134241.

ClinVar aggregate classification (germline): Uncertain significance (1 of 4 stars; one submission).

Conditions:
Early-infantile DEE. Also called: Early infantile epileptic encephalopathy; Ohtahara syndrome; Early infantile epileptic encephalopathy with suppression bursts. Identifiers: Orphanet 1934, MedGen C0393706, MONDO:0800491.

Allele frequency attached by ClinVar (database versions not stated): gnomAD 0.00001.
gnomAD v4.1: 1 of 149,746 alleles (0.00067%); highest among the groups gnomAD compares: African/African-American, 0.0025%; no homozygotes.

Submission:

Labcorp Genetics (formerly Invitae), Labcorp
Classification: Uncertain significance for Early-infantile DEE. Last evaluated: 2024-05-15. Review status: criteria provided, single submitter. Criteria: Invitae Variant Classification Sherloc (09022015). Collection method: clinical testing. Allele origin: germline.
Comment: This sequence change falls in intron 20 of the SCN1A gene. It does not directly change the encoded amino acid sequence of the SCN1A protein. However, this sequence change falls within a region encompassing a cryptic exon in the SCN1A gene, in which variants have been shown to alter splicing (PMID: 30526861, 34107977). This variant is present in population databases (no rsID available, gnomAD 0.01%). This variant has not been reported in the literature in individuals affected with SCN1A-related conditions. ClinVar contains an entry for this variant (Variation ID: 2135392). Algorithms developed to predict the effect of sequence changes on RNA splicing suggest that this variant is not likely to affect RNA splicing. In summary, the available evidence is currently insufficient to determine the role of this variant in disease. Therefore, it has been classified as a Variant of Uncertain Significance.

Literature cited by the submitters: PubMed 30526861; PubMed 34107977.